The following is an entry in ClinVar:

NM_001164508.2(NEB):c.6629A>C (p.Asn2210Thr)

Gene: NEB (nebulin; minus strand). Cytogenetic location: 2q23.3.
Variant type: single nucleotide variant.
Coding change: c.6629A>C on transcript NM_001164508.2 (MANE Select); coding-DNA position 6629, A replaced by C.
Protein change: p.Asn2210Thr; replaces asparagine 2210 with threonine.
Molecular consequence: missense variant.
Genome position (GRCh38, 1-based): chr2:151,655,890, T>G on the plus strand (A>C on the coding strand, the complement: NEB is on the minus strand). VCF-style: chr2-151655890-T-G. GRCh37 (hg19) VCF-style: chr2-152512404-T-G.
Other names: c.6629A>C, p.Asn2210Thr (NM_001164507.2, NM_001271208.2, NM_004543.5); short protein forms N2210T.
Identifiers: ClinVar variation 1393876 (VCV001393876.5), dbSNP rs768864684, ClinGen allele CA348797060.

ClinVar aggregate classification (germline): Uncertain significance (1 of 4 stars; one submission).

Conditions:
Nemaline myopathy 2 (NEM2). Also called: Nemaline myopathy 2, autosomal recessive. Identifiers: MedGen C1850569, MONDO:0009725, OMIM 256030.

gnomAD v4.1: 13 of 1,613,670 alleles (0.00081%); highest among the groups gnomAD compares: African/African-American, 0.0013%; no homozygotes.

Submission:

Labcorp Genetics (formerly Invitae), Labcorp
Classification: Uncertain significance for Nemaline myopathy 2. Last evaluated: 2021-08-30. Review status: criteria provided, single submitter. Criteria: Invitae Variant Classification Sherloc (09022015). Collection method: clinical testing. Allele origin: germline.
Comment: This sequence change replaces asparagine with threonine at codon 2210 of the NEB protein (p.Asn2210Thr). The asparagine residue is moderately conserved and there is a small physicochemical difference between asparagine and threonine. This variant is not present in population databases (ExAC no frequency). This variant has not been reported in the literature in individuals affected with NEB-related conditions. Algorithms developed to predict the effect of missense changes on protein structure and function output the following: SIFT: "Tolerated"; PolyPhen-2: "Not Available"; Align-GVGD: "Class C0". The threonine amino acid residue is found in multiple mammalian species, which suggests that this missense change does not adversely affect protein function. In summary, the available evidence is currently insufficient to determine the role of this variant in disease. Therefore, it has been classified as a Variant of Uncertain Significance.